The following is an entry in ClinVar:

ClinVar aggregate classification (germline): Uncertain significance. Review status: criteria provided, multiple submitters, no conflicts (2 of 4 stars). 2 submissions from 2 submitters: Uncertain significance (2). Last evaluated 2024-12-19.

Allele frequency attached by ClinVar (database versions not stated): ExAC 0.00003.
gnomAD v4.1: 60 of 1,612,768 alleles (0.0037%); highest among the groups gnomAD compares: Admixed American, 0.0083%; no homozygotes.

Submissions (2):

Labcorp Genetics (formerly Invitae), Labcorp
Classification: Uncertain significance. Last evaluated: 2024-12-19. Review status: criteria provided, single submitter. Criteria: Invitae Variant Classification Sherloc (09022015). Collection method: clinical testing. Allele origin: germline.
Comment: This sequence change replaces proline, which is neutral and non-polar, with leucine, which is neutral and non-polar, at codon 373 of the SLC12A6 protein (p.Pro373Leu). This variant is present in population databases (rs368994065, gnomAD 0.01%). This variant has not been reported in the literature in individuals affected with SLC12A6-related conditions. ClinVar contains an entry for this variant (Variation ID: 2158439). An algorithm developed to predict the effect of missense changes on protein structure and function (PolyPhen-2) suggests that this variant¬†is likely to be tolerated. In summary, the available evidence is currently insufficient to determine the role of this variant in disease. Therefore, it has been classified as a Variant of Uncertain Significance.

GeneDx
Classification: Uncertain significance. Last evaluated: 2023-12-02. Review status: criteria provided, single submitter. Criteria: GeneDx Variant Classification Process June 2021. Collection method: clinical testing. Allele origin: germline. Affected: yes.
Comment: In silico analysis supports that this missense variant has a deleterious effect on protein structure/function; Has not been previously published as pathogenic or benign to our knowledge

NM_001365088.1(SLC12A6):c.1118C>T (p.Pro373Leu)

Gene: SLC12A6 (solute carrier family 12 member 6; minus strand). Cytogenetic location: 15q14.
Variant type: single nucleotide variant.
Coding change: c.1118C>T on transcript NM_001365088.1 (MANE Select); coding-DNA position 1118, C replaced by T.
Protein change: p.Pro373Leu; replaces proline 373 with leucine.
Molecular consequence: missense variant.
Genome position (GRCh38, 1-based): chr15:34,254,348, G>A on the plus strand (C>T on the coding strand, the complement: SLC12A6 is on the minus strand). VCF-style: chr15-34254348-G-A. GRCh37 (hg19) VCF-style: chr15-34546549-G-A.
Other names: c.941C>T, p.Pro314Leu (NM_001042494.2, NM_001042495.2); c.1091C>T, p.Pro364Leu (NM_001042496.2); c.1073C>T, p.Pro358Leu (NM_001042497.2); c.965C>T, p.Pro322Leu (NM_005135.2); c.1118C>T, p.Pro373Leu (NM_133647.2); short protein forms P314L, P322L, P358L, P373L, P364L.
Identifiers: ClinVar variation 2158439 (VCV002158439.4), dbSNP rs368994065, ClinGen allele CA7464404.